The following is an entry in ClinVar:

NM_015978.3(TNNI3K):c.1706A>G (p.Asp569Gly)

Genes: FPGT-TNNI3K (FPGT-TNNI3K readthrough; plus strand), TNNI3K (TNNI3 interacting kinase; plus strand). Cytogenetic location: 1p31.1.
Variant type: single nucleotide variant.
Coding change: c.1706A>G on transcript NM_015978.3 (MANE Select); coding-DNA position 1706, A replaced by G.
Protein change: p.Asp569Gly; replaces aspartic acid 569 with glycine.
Molecular consequence: missense variant.
Genome position (GRCh38, 1-based): chr1:74,370,326, A>G. VCF-style: chr1-74370326-A-G. GRCh37 (hg19) VCF-style: chr1-74836010-A-G.
Other names: c.2009A>G, p.Asp670Gly (NM_001112808.3, NM_001199327.2); short protein forms D670G, D569G.
Identifiers: ClinVar variation 1931373 (VCV001931373.5), dbSNP rs2524475612, ClinGen allele CA340786559.

ClinVar aggregate classification (germline): Uncertain significance (1 of 4 stars; one submission).

Submission:

Labcorp Genetics (formerly Invitae), Labcorp
Classification: Uncertain significance. Last evaluated: 2024-11-15. Review status: criteria provided, single submitter. Criteria: Invitae Variant Classification Sherloc (09022015). Collection method: clinical testing. Allele origin: germline.
Comment: This sequence change replaces aspartic acid, which is acidic and polar, with glycine, which is neutral and non-polar, at codon 569 of the TNNI3K protein (p.Asp569Gly). This variant is not present in population databases (gnomAD no frequency). This variant has not been reported in the literature in individuals affected with TNNI3K-related conditions. ClinVar contains an entry for this variant (Variation ID: 1931373). Invitae Evidence Modeling of protein sequence and biophysical properties (such as structural, functional, and spatial information, amino acid conservation, physicochemical variation, residue mobility, and thermodynamic stability) indicates that this missense variant is not expected to disrupt TNNI3K protein function with a negative predictive value of 80%. In summary, the available evidence is currently insufficient to determine the role of this variant in disease. Therefore, it has been classified as a Variant of Uncertain Significance.